The following is an entry in ClinVar:

NM_005245.4(FAT1):c.3820G>A (p.Val1274Ile)

Gene: FAT1 (FAT atypical cadherin 1; minus strand). Cytogenetic location: 4q35.2.
Variant type: single nucleotide variant.
Coding change: c.3820G>A on transcript NM_005245.4 (MANE Select); coding-DNA position 3820, G replaced by A.
Protein change: p.Val1274Ile; replaces valine 1274 with isoleucine.
Molecular consequence: missense variant.
Genome position (GRCh38, 1-based): chr4:186,636,737, C>T on the plus strand (G>A on the coding strand, the complement: FAT1 is on the minus strand). VCF-style: chr4-186636737-C-T. GRCh37 (hg19) VCF-style: chr4-187557891-C-T.
Other names: short protein forms V1274I.
Identifiers: ClinVar variation 2202698 (VCV002202698.3), dbSNP rs200242253, ClinGen allele CA3166894.

ClinVar aggregate classification (germline): Uncertain significance. Review status: criteria provided, multiple submitters, no conflicts (2 of 4 stars). 2 submissions from 2 submitters: Uncertain significance (2). Last evaluated 2025-10-21.

Allele frequency attached by ClinVar (database versions not stated): ESP Exome Variant Server 0.00033.
gnomAD v4.1: 125 of 1,613,628 alleles (0.0077%); highest among the groups gnomAD compares: African/African-American, 0.051%; no homozygotes.

Submissions (2):

Labcorp Genetics (formerly Invitae), Labcorp
Classification: Uncertain significance. Last evaluated: 2025-10-21. Review status: criteria provided, single submitter. Criteria: Invitae Variant Classification Sherloc (09022015). Collection method: clinical testing. Allele origin: germline.
Comment: This sequence change replaces valine, which is neutral and non-polar, with isoleucine, which is neutral and non-polar, at codon 1274 of the FAT1 protein (p.Val1274Ile). This variant is present in population databases (rs200242253, gnomAD 0.08%). This variant has not been reported in the literature in individuals affected with FAT1-related conditions. ClinVar contains an entry for this variant (Variation ID: 2202698). Invitae Evidence Modeling of protein sequence and biophysical properties (such as structural, functional, and spatial information, amino acid conservation, physicochemical variation, residue mobility, and thermodynamic stability) indicates that this missense variant is not expected to disrupt FAT1 protein function with a negative predictive value of 80%. In summary, the available evidence is currently insufficient to determine the role of this variant in disease. Therefore, it has been classified as a Variant of Uncertain Significance.

Blueprint Genetics
Classification: Uncertain significance. Last evaluated: 2024-01-11. Review status: criteria provided, single submitter. Criteria: ACMG Guidelines, 2015. Collection method: clinical testing. Allele origin: germline.